The following is an entry in ClinVar:

NM_006258.4(PRKG1):c.699C>T (p.Ser233=)

Gene: PRKG1 (protein kinase cGMP-dependent 1; plus strand). Cytogenetic location: 10q21.1.
Variant type: single nucleotide variant.
Coding change: c.699C>T on transcript NM_006258.4 (MANE Select); coding-DNA position 699, C replaced by T.
Protein change: p.Ser233=; no amino-acid change (serine 233 retained).
Molecular consequence: synonymous variant.
Genome position (GRCh38, 1-based): chr10:51,907,507, C>T. VCF-style: chr10-51907507-C-T. GRCh37 (hg19) VCF-style: chr10-53667267-C-T.
Other names: c.654C>T, p.Ser218= (NM_001098512.3); c.699C>T, p.Ser233= (NM_001374782.1).
Identifiers: ClinVar variation 1756512 (VCV001756512.3), dbSNP rs200818051, ClinGen allele CA5503590.

ClinVar aggregate classification (germline): Conflicting classifications of pathogenicity. Review status: criteria provided, conflicting classifications (1 of 4 stars). 2 submissions from 2 submitters: Uncertain significance (1); Likely benign (1). Last evaluated 2025-09-10.

Conditions:
Aortic aneurysm, familial thoracic 8 (AAT8). Identifiers: MedGen C3809513, MONDO:0014187, OMIM 615436.
Familial thoracic aortic aneurysm and aortic dissection (TAAD). Also called: Thoracic aortic aneurysms and dissections. Identifiers: Orphanet 91387, MedGen C4707243, MONDO:0019625.

Allele frequency attached by ClinVar (database versions not stated): gnomAD 0.00001; gnomAD exomes 0.00001; ExAC 0.00002; TOPMed 0.00003; 1000 Genomes Project 30x 0.00016; 1000 Genomes Project 0.00020.
gnomAD v4.1: 13 of 1,612,192 alleles (0.00081%); highest among the groups gnomAD compares: South Asian, 0.0077%; no homozygotes.

Submissions (2):

Labcorp Genetics (formerly Invitae), Labcorp
Classification: Uncertain significance for Aortic aneurysm, familial thoracic 8. Last evaluated: 2025-09-10. Review status: criteria provided, single submitter. Criteria: Invitae Variant Classification Sherloc (09022015). Collection method: clinical testing. Allele origin: germline.
Comment: This sequence change affects codon 233 of the PRKG1 mRNA. It is a 'silent' change, meaning that it does not change the encoded amino acid sequence of the PRKG1 protein. It affects a nucleotide within the consensus splice site. This variant is present in population databases (rs200818051, gnomAD 0.003%). This variant has not been reported in the literature in individuals affected with PRKG1-related conditions. ClinVar contains an entry for this variant (Variation ID: 1756512). Algorithms developed to predict the effect of sequence changes on RNA splicing suggest that this variant is not likely to affect RNA splicing. In summary, the available evidence is currently insufficient to determine the role of this variant in disease. Therefore, it has been classified as a Variant of Uncertain Significance.

Ambry Genetics
Classification: Likely benign for Familial thoracic aortic aneurysm and aortic dissection. Last evaluated: 2023-12-28. Review status: criteria provided, single submitter. Criteria: Ambry Variant Classification Scheme 2023. Collection method: clinical testing. Allele origin: germline.